The following is an entry in ClinVar:

NM_130384.3(ATRIP):c.446T>C (p.Leu149Pro)

Genes: ATRIP (ATR interacting protein; plus strand), ATRIP-TREX1 (ATRIP-TREX1 readthrough; plus strand). Cytogenetic location: 3p21.31.
Variant type: single nucleotide variant.
Coding change: c.446T>C on transcript NM_130384.3 (MANE Select); coding-DNA position 446, T replaced by C.
Protein change: p.Leu149Pro; replaces leucine 149 with proline.
Molecular consequence: missense variant. On other transcripts: non-coding transcript variant (1).
Genome position (GRCh38, 1-based): chr3:48,451,793, T>C. VCF-style: chr3-48451793-T-C. GRCh37 (hg19) VCF-style: chr3-48493199-T-C.
Other names: c.65T>C, p.Leu22Pro (NM_001271022.2); c.167T>C, p.Leu56Pro (NM_001271023.2); c.446T>C, p.Leu149Pro (NM_032166.4); short protein forms L149P, L56P, L22P.
Identifiers: ClinVar variation 5032412 (VCV005032412.1).

ClinVar aggregate classification (germline): Uncertain significance (1 of 4 stars; one submission).

Submission:

Ambry Genetics
Classification: Uncertain significance. Last evaluated: 2026-06-29. Review status: criteria provided, single submitter. Criteria: Ambry Variant Classification Scheme 2023. Collection method: clinical testing. Allele origin: germline.
Comment: The p.L149P variant (also known as c.446T>C), located in coding exon 3 of the ATRIP gene, results from a T to C substitution at nucleotide position 446. The leucine at codon 149 is replaced by proline, an amino acid with similar properties. This amino acid position is conserved. In addition, this alteration is predicted to be deleterious by in silico analysis. Based on the available evidence, the clinical significance of this variant remains unclear.